The following is an entry in ClinVar:

NM_000089.4(COL1A2):c.1037G>T (p.Gly346Val)

Gene: COL1A2 (collagen type I alpha 2 chain; plus strand). Cytogenetic location: 7q21.3.
Variant type: single nucleotide variant.
Coding change: c.1037G>T on transcript NM_000089.4 (MANE Select); coding-DNA position 1037, G replaced by T.
Protein change: p.Gly346Val; replaces glycine 346 with valine.
Molecular consequence: missense variant.
Genome position (GRCh38, 1-based): chr7:94,410,243, G>T. VCF-style: chr7-94410243-G-T. GRCh37 (hg19) VCF-style: chr7-94039555-G-T.
Other names: short protein forms G346V.
Identifiers: ClinVar variation 4681118 (VCV004681118.1).

ClinVar aggregate classification (germline): Pathogenic (1 of 4 stars; one submission).

Submission:

GeneDx
Classification: Pathogenic. Last evaluated: 2025-06-30. Review status: criteria provided, single submitter. Criteria: GeneDx Variant Classification Process June 2021. Collection method: clinical testing. Allele origin: germline. Affected: yes.
Comment: Occurs in the triple helical domain and replaces a glycine in a canonical Gly-X-Y repeat; missense substitution of a canonical glycine residue is expected to disrupt normal protein folding and function, and this is an established mechanism of disease; Not observed at significant frequency in large population cohorts (gnomAD); In silico analysis supports that this missense variant has a deleterious effect on protein structure/function; This variant is associated with the following publications: (PMID: 34007986, 17233315)